The following is an entry in ClinVar:

ClinVar aggregate classification (germline): Uncertain significance (1 of 4 stars; one submission).

Conditions:
Jeune thoracic dystrophy. Also called: Short-rib thoracic dysplasia; Jeune syndrome; Infantile thoracic dystrophy; Thoracic pelvic phalangeal dystrophy; Jeune's syndrome; Chondroectodermal dysplasia-like syndrome. Identifiers: Orphanet 474, MedGen C0265275, MONDO:0018770.
Nephronophthisis. Also called: Juvenile Nephronophthisis. Identifiers: Orphanet 655, MedGen C0687120, MONDO:0019005, HP:0000090.

Submission:

Labcorp Genetics (formerly Invitae), Labcorp
Classification: Uncertain significance for Jeune thoracic dystrophy; Nephronophthisis. Last evaluated: 2022-01-28. Review status: criteria provided, single submitter. Criteria: Invitae Variant Classification Sherloc (09022015). Collection method: clinical testing. Allele origin: germline.
Comment: In summary, the available evidence is currently insufficient to determine the role of this variant in disease. Therefore, it has been classified as a Variant of Uncertain Significance. This sequence change replaces arginine, which is basic and polar, with glycine, which is neutral and non-polar, at codon 1175 of the TTC21B protein (p.Arg1175Gly). This variant is not present in population databases (gnomAD no frequency). This variant has not been reported in the literature in individuals affected with TTC21B-related conditions. Algorithms developed to predict the effect of missense changes on protein structure and function are either unavailable or do not agree on the potential impact of this missense change (SIFT: "Deleterious"; PolyPhen-2: "Possibly Damaging"; Align-GVGD: "Class C0").

NM_024753.5(TTC21B):c.3523C>G (p.Arg1175Gly)

Gene: TTC21B (tetratricopeptide repeat domain 21B; minus strand). Cytogenetic location: 2q24.3.
Variant type: single nucleotide variant.
Coding change: c.3523C>G on transcript NM_024753.5 (MANE Select); coding-DNA position 3523, C replaced by G.
Protein change: p.Arg1175Gly; replaces arginine 1175 with glycine.
Molecular consequence: missense variant.
Genome position (GRCh38, 1-based): chr2:165,883,955, G>C on the plus strand (C>G on the coding strand, the complement: TTC21B is on the minus strand). VCF-style: chr2-165883955-G-C. GRCh37 (hg19) VCF-style: chr2-166740465-G-C.
Other names: short protein forms R1175G.
Identifiers: ClinVar variation 2079401 (VCV002079401.3), dbSNP rs1171958169, ClinGen allele CA349047132.